The following is an entry in ClinVar:

NM_015001.3(SPEN):c.7009C>T (p.Arg2337Ter)

Gene: SPEN (spen family transcriptional repressor; plus strand). Cytogenetic location: 1p36.13.
Variant type: single nucleotide variant.
Coding change: c.7009C>T on transcript NM_015001.3 (MANE Select); coding-DNA position 7009, C replaced by T.
Protein change: p.Arg2337Ter; replaces arginine 2337 with a stop codon.
Molecular consequence: nonsense.
Genome position (GRCh38, 1-based): chr1:15,933,249, C>T. VCF-style: chr1-15933249-C-T. GRCh37 (hg19) VCF-style: chr1-16259744-C-T.
Other names: short protein forms R2337*.
Identifiers: ClinVar variation 4813664 (VCV004813664.2).

ClinVar aggregate classification (germline): Likely pathogenic. Review status: criteria provided, multiple submitters, no conflicts (2 of 4 stars). 2 submissions from 2 submitters: Likely pathogenic (2). Last evaluated 2026-03-08.

Conditions:
SPEN-related disorder. Also called: SPEN-related condition.
Radio-Tartaglia syndrome. Identifiers: Orphanet 662234, MedGen C5543339, MONDO:0859143, OMIM 619312.

Submissions (2):

Molecular Genetics Laboratory, Motol Hospital
Classification: Likely pathogenic for Radio-Tartaglia syndrome. Last evaluated: 2026-03-08. Review status: criteria provided, single submitter. Criteria: ACMG Guidelines, 2015. Collection method: clinical testing. Allele origin: inherited. Inheritance: Autosomal dominant inheritance. Affected: yes. Observed: 1 variant allele, 1 heterozygote.
Comment: Rare variant not present in gnomAD (v4.1.0), dbSNP, ClinVar. Rare loss-of-function variants in the SPEN gene are associated with autosomal dominant Radio-Tartaglia syndrome (MIM:619312). Most reported cases are sporadic/de novo of origin, but there are few reported cases with familial segregation (Radio et al., 2021 - PMID:33596411). The variant is classified as likely pathogenic.

Blueprint Genetics
Classification: Likely pathogenic for SPEN-related disorders. Last evaluated: 2022-08-09. Review status: criteria provided, single submitter. Criteria: ACMG Guidelines, 2015. Collection method: clinical testing. Allele origin: germline. Affected: yes. Observed: 1 variant allele.

Literature cited by the submitters: PubMed 33596411 (cited by Molecular Genetics Laboratory, Motol Hospital).